The following is an entry in ClinVar:

NM_198994.3(TGM6):c.1470C>T (p.Ala490=)

Gene: TGM6 (transglutaminase 6; plus strand). Cytogenetic location: 20p13.
Variant type: single nucleotide variant.
Coding change: c.1470C>T on transcript NM_198994.3 (MANE Select); coding-DNA position 1470, C replaced by T.
Protein change: p.Ala490=; no amino-acid change (alanine 490 retained).
Molecular consequence: synonymous variant.
Genome position (GRCh38, 1-based): chr20:2,417,365, C>T. VCF-style: chr20-2417365-C-T. GRCh37 (hg19) VCF-style: chr20-2398011-C-T.
Other names: c.1470C>T, p.Ala490= (NM_001254734.2).
Identifiers: ClinVar variation 3046861 (VCV003046861.2), dbSNP rs2514391016, ClinGen allele CA509547585.

ClinVar aggregate classification (germline): Likely benign (0 of 4 stars; one submission).

Conditions:
TGM6-related disorder. Also called: TGM6-related condition.

gnomAD v4.1: 1 of 1,613,330 alleles (0.000062%); no homozygotes.

Submission:

PreventionGenetics, part of Exact Sciences
Classification: Likely benign for TGM6-related condition. Last evaluated: 2019-02-25. Review status: no assertion criteria provided. Collection method: clinical testing. Allele origin: germline.
Comment: This variant is classified as likely benign based on ACMG/AMP sequence variant interpretation guidelines (Richards et al. 2015 PMID: 25741868, with internal and published modifications).